The following is an entry in ClinVar:

NM_001134831.2(AHI1):c.1513C>T (p.Pro505Ser)

Gene: AHI1 (Abelson helper integration site 1; minus strand). Cytogenetic location: 6q23.3.
Variant type: single nucleotide variant.
Coding change: c.1513C>T on transcript NM_001134831.2 (MANE Select); coding-DNA position 1513, C replaced by T.
Protein change: p.Pro505Ser; replaces proline 505 with serine.
Molecular consequence: missense variant.
Genome position (GRCh38, 1-based): chr6:135,448,403, G>A on the plus strand (C>T on the coding strand, the complement: AHI1 is on the minus strand). VCF-style: chr6-135448403-G-A. GRCh37 (hg19) VCF-style: chr6-135769541-G-A.
Other names: c.1513C>T, p.Pro505Ser (NM_001134830.2, NM_001134832.2, NM_001350503.2 and 2 more transcripts); short protein forms P505S.
Identifiers: ClinVar variation 1363827 (VCV001363827.8), dbSNP rs1443719410, ClinGen allele CA365745431.

ClinVar aggregate classification (germline): Uncertain significance (1 of 4 stars; one submission).

Conditions:
Joubert syndrome. Also called: CEREBELLOPARENCHYMAL DISORDER IV; JOUBERT-BOLTSHAUSER SYNDROME; Familial aplasia of the vermis. Identifiers: Orphanet 475, MedGen C5979921, MONDO:0018772.

Allele frequency attached by ClinVar (database versions not stated): TOPMed below 0.00001; gnomAD 0.00001.

Submission:

Labcorp Genetics (formerly Invitae), Labcorp
Classification: Uncertain significance for Joubert syndrome. Last evaluated: 2021-06-28. Review status: criteria provided, single submitter. Criteria: Invitae Variant Classification Sherloc (09022015). Collection method: clinical testing. Allele origin: germline.
Comment: In summary, the available evidence is currently insufficient to determine the role of this variant in disease. Therefore, it has been classified as a Variant of Uncertain Significance. Advanced modeling of protein sequence and biophysical properties (such as structural, functional, and spatial information, amino acid conservation, physicochemical variation, residue mobility, and thermodynamic stability) performed at Invitae indicates that this missense variant is not expected to disrupt AHI1 protein function. This variant has not been reported in the literature in individuals affected with AHI1-related conditions. This variant is not present in population databases (ExAC no frequency). This sequence change replaces proline with serine at codon 505 of the AHI1 protein (p.Pro505Ser). The proline residue is weakly conserved and there is a moderate physicochemical difference between proline and serine.